The following is an entry in ClinVar:

NM_022455.5(NSD1):c.4691G>A (p.Gly1564Glu)

Gene: NSD1 (nuclear receptor binding SET domain protein 1; plus strand). Cytogenetic location: 5q35.3.
Variant type: single nucleotide variant.
Coding change: c.4691G>A on transcript NM_022455.5 (MANE Select); coding-DNA position 4691, G replaced by A.
Protein change: p.Gly1564Glu; replaces glycine 1564 with glutamic acid.
Molecular consequence: missense variant.
Genome position (GRCh38, 1-based): chr5:177,251,779, G>A. VCF-style: chr5-177251779-G-A. GRCh37 (hg19) VCF-style: chr5-176678780-G-A.
Other names: c.3818G>A, p.Gly1273Glu (NM_001365684.2, NM_001409306.1, NM_001409307.1 and 3 more transcripts); c.4691G>A, p.Gly1564Glu (NM_001409301.1, NM_001409302.1, NM_001409303.1); c.4271G>A, p.Gly1424Glu (NM_001409304.1); c.3938G>A, p.Gly1313Glu (NM_001409305.1); short protein forms G1273E, G1295E, G1313E, G1424E, G1564E.
Identifiers: ClinVar variation 2413008 (VCV002413008.4), dbSNP rs2480641911, ClinGen allele CA362351847.

ClinVar aggregate classification (germline): Uncertain significance (1 of 4 stars; one submission).

Submission:

GeneDx
Classification: Uncertain significance. Last evaluated: 2023-01-25. Review status: criteria provided, single submitter. Criteria: GeneDx Variant Classification Process June 2021. Collection method: clinical testing. Allele origin: germline. Affected: yes.
Comment: Not observed at significant frequency in large population cohorts (gnomAD); In silico analysis supports that this missense variant has a deleterious effect on protein structure/function; Has not been previously published as pathogenic or benign to our knowledge